The following is an entry in ClinVar:

ClinVar aggregate classification (germline): Conflicting classifications of pathogenicity. Review status: criteria provided, conflicting classifications (1 of 4 stars). 2 submissions from 2 submitters: Uncertain significance (1); Likely benign (1). Last evaluated 2025-07-30.

Conditions:
Hereditary cancer-predisposing syndrome. Also called: Neoplastic Syndromes, Hereditary; Tumor predisposition; Hereditary Cancer Syndrome; Hereditary neoplastic syndrome. Identifiers: Orphanet 140162, MedGen C0027672, MeSH D009386, MONDO:0015356.

Submissions (2):

Quest Diagnostics Nichols Institute San Juan Capistrano
Classification: Uncertain significance. Last evaluated: 2025-07-30. Review status: criteria provided, single submitter. Criteria: Quest Diagnostics criteria. Collection method: clinical testing. Allele origin: unknown.
Comment: The NBN c.201A>C (p.Thr67=) synonymous variant has not been reported in individuals with NBN-related conditions in the published literature. This variant has not been reported in large, multi-ethnic general populations (Genome Aggregation Database). Analysis of this variant using software algorithms for the prediction of the effect of nucleotide changes on splicing yielded predictions that this variant does not affect NBN mRNA splicing. Based on the available information, we are unable to determine the clinical significance of this variant.

Ambry Genetics
Classification: Likely benign for Hereditary cancer-predisposing syndrome. Last evaluated: 2015-04-09. Review status: criteria provided, single submitter. Criteria: Ambry Variant Classification Scheme 2023. Collection method: clinical testing. Allele origin: germline.

NM_002485.5(NBN):c.201A>C (p.Thr67=)

Gene: NBN (nibrin; minus strand). Cytogenetic location: 8q21.3.
Variant type: single nucleotide variant.
Coding change: c.201A>C on transcript NM_002485.5 (MANE Select); coding-DNA position 201, A replaced by C.
Protein change: p.Thr67=; no amino-acid change (threonine 67 retained).
Molecular consequence: synonymous variant. On other transcripts: 5 prime UTR variant (1).
Genome position (GRCh38, 1-based): chr8:89,981,494, T>G on the plus strand (A>C on the coding strand, the complement: NBN is on the minus strand). VCF-style: chr8-89981494-T-G. GRCh37 (hg19) VCF-style: chr8-90993722-T-G.
Other names: c.-46A>C (NM_001024688.3).
Identifiers: ClinVar variation 231264 (VCV000231264.6), dbSNP rs876659059, ClinGen allele CA10578806.
Genomic context (GRCh38, chr8:89,981,494, plus strand): 5'-AAAGCCATTCTGCATTTTTTCCTCATTAACAAAGGTACCATACTTAGAATTATCTTTTAA[T>G]GTCAATACAGGGATTTCATCTGTTTGACTCTGAAAAGTTAGCAAATAATTTAAAGTCTTT-3'
Protein context (NP_002476.2, residues 57-77): LSQTDEIPVL[Thr67=]LKDNSKYGTF